The following is an entry in ClinVar:

ClinVar aggregate classification (germline): Uncertain significance (1 of 4 stars; one submission).

Conditions:
Peroxisome biogenesis disorder. Identifiers: Orphanet 79189, MedGen C1832200, MONDO:0019234. Disease mechanism: loss of function.

Submission:

Labcorp Genetics (formerly Invitae), Labcorp
Classification: Uncertain significance for Peroxisome biogenesis disorder. Last evaluated: 2023-11-27. Review status: criteria provided, single submitter. Criteria: Invitae Variant Classification Sherloc (09022015). Collection method: clinical testing. Allele origin: germline.
Comment: This sequence change falls in intron 4 of the PEX16 gene. It does not directly change the encoded amino acid sequence of the PEX16 protein. This variant is not present in population databases (gnomAD no frequency). This variant has not been reported in the literature in individuals affected with PEX16-related conditions. ClinVar contains an entry for this variant (Variation ID: 1491539). Algorithms developed to predict the effect of sequence changes on RNA splicing suggest that this variant may disrupt the consensus splice site. In summary, the available evidence is currently insufficient to determine the role of this variant in disease. Therefore, it has been classified as a Variant of Uncertain Significance.

NM_004813.4(PEX16):c.360-9C>A

Gene: PEX16 (peroxisomal biogenesis factor 16; minus strand). Cytogenetic location: 11p11.2.
Variant type: single nucleotide variant.
Coding change: c.360-9C>A on transcript NM_004813.4 (MANE Select); 9 bases into the intron before coding-DNA position 360, C replaced by A.
Molecular consequence: intron variant.
Genome position (GRCh38, 1-based): chr11:45,915,577, G>T on the plus strand (C>A on the coding strand, the complement: PEX16 is on the minus strand). VCF-style: chr11-45915577-G-T. GRCh37 (hg19) VCF-style: chr11-45937128-G-T.
Other names: c.360-9C>A (NM_057174.3).
Identifiers: ClinVar variation 1491539 (VCV001491539.6), dbSNP rs1316866259, ClinGen allele CA1968701631.